The following is an entry in ClinVar:

NM_000531.6(OTC):c.498G>T (p.Leu166Phe)

Gene: OTC (ornithine transcarbamylase; plus strand). Cytogenetic location: Xp11.4.
Variant type: single nucleotide variant.
Coding change: c.498G>T on transcript NM_000531.6 (MANE Select); coding-DNA position 498, G replaced by T.
Protein change: p.Leu166Phe; replaces leucine 166 with phenylalanine.
Molecular consequence: missense variant.
Genome position (GRCh38, 1-based): chrX:38,401,386, G>T. VCF-style: chrX-38401386-G-T. GRCh37 (hg19) VCF-style: chrX-38260639-G-T.
Other names: NM_000531.6(OTC):c.498G>T; p.Leu166Phe; short protein forms L166F.
Identifiers: ClinVar variation 1167469 (VCV001167469.14), dbSNP rs759911602, ClinGen allele CA10385879.

ClinVar aggregate classification (germline): Benign. Review status: reviewed by expert panel (3 of 4 stars). 5 submissions from 5 submitters: Benign (1). 4 of the submissions do not count toward it. Last evaluated 2026-05-20.

Conditions:
Ornithine carbamoyltransferase deficiency (OTCD). Also called: OTC DEFICIENCY; Ornithine Carbamoyltransferase Deficiency Disease; ORNITHINE TRANSCARBAMYLASE DEFICIENCY; ORNITHINE TRANSCARBAMYLASE DEFICIENCY, HYPERAMMONEMIA DUE TO. Identifiers: Orphanet 664, MedGen C0268542, MONDO:0010703, OMIM 311250.

Allele frequency attached by ClinVar (database versions not stated): ExAC 0.00002; gnomAD exomes 0.00004; 1000 Genomes Project 0.00026; 1000 Genomes Project 30x 0.00042.
gnomAD v4.1: 65 of 1,205,859 alleles (0.0054%); highest among the groups gnomAD compares: Admixed American, 0.011%; no homozygotes.

Submissions (5):

Clingen Urea Cycle Disorders Variant Curation Expert Panel, ClinGen
Classification: Benign for Ornithine carbamoyltransferase deficiency. Last evaluated: 2026-05-20. Review status: reviewed by expert panel. Criteria: ClinGen UreaCycles ACMG Specifications OTC V1.0. Collection method: curation. Allele origin: germline. Inheritance: X-linked inheritance.
Comment: The NM_000531.6:c.498G>T variant in OTC is a missense variant predicted to cause substitution of leucine by phenylalanine at amino acid 166 (p.Leu166Phe). To our knowledge, this variant has not been reported in the literature in any individuals with OTC deficiency. The Grpmax Filtering allele frequency in gnomAD v4.1.0 is 0.0001094 (5/45704 alleles) in the Admixed American population, with 21 hemizygotes/homozygotes across all populations which is higher than the ClinGen UCD VCEP threshold (>10 hemizygotes/homozygotes) for BA1, and therefore meets this criterion (BA1). Expression of the variant in yeast resulted in 71.5% which is between 65 and 80% indicating supporting evidence for no impact on OTC function (PMID: 37146589) (BS3_Supporting). The computational predictor REVEL gives a score of 0.57 which is between 0.644 and 0.290 and indicates an uncertain impact on OTC function. In summary, this variant meets the criteria to be classified as benign for OTC deficiency based on the ACMG/AMP criteria applied, as specified by the ClinGen Urea Cycle Disorders Variant Curation Expert Panel (OTC specifications version 1.0.0): BA1, BS3_Supporting.

Labcorp Genetics (formerly Invitae), Labcorp
Classification: Benign for Ornithine carbamoyltransferase deficiency. Last evaluated: 2026-01-13. Review status: criteria provided, single submitter. Criteria: Invitae Variant Classification Sherloc (09022015). Collection method: clinical testing. Allele origin: germline. Not counted in ClinVar's aggregate classification.

Color Diagnostics, LLC DBA Color Health
Classification: Uncertain significance for Ornithine carbamoyltransferase deficiency. Last evaluated: 2024-03-06. Review status: criteria provided, single submitter. Criteria: ACMG Guidelines, 2015. Collection method: clinical testing. Allele origin: germline. Not counted in ClinVar's aggregate classification.
Comment: This missense variant replaces leucine with phenylalanine at codon 166 of the OTC protein. Computational prediction is inconclusive regarding the impact of this variant on protein structure and function. To our knowledge, functional studies have not been reported for this variant. This variant has not been reported in individuals affected with ornithine carbamoyltransferase deficiency in the literature. This variant has been identified in 8/183273 chromosomes in the general population by the Genome Aggregation Database (gnomAD). The available evidence is insufficient to determine the role of this variant in disease conclusively. Therefore, this variant is classified as a Variant of Uncertain Significance.

Clinical Genetics DNA and cytogenetics Diagnostics Lab, Erasmus MC, Erasmus Medical Center
Classification: Likely benign. Review status: no assertion criteria provided. Collection method: clinical testing. Allele origin: germline. Affected: yes. Study: VKGL Data-share Consensus. Not counted in ClinVar's aggregate classification.

Clinical Genetics, Academic Medical Center
Classification: Likely benign. Review status: no assertion criteria provided. Collection method: clinical testing. Allele origin: germline. Affected: yes. Study: VKGL Data-share Consensus. Not counted in ClinVar's aggregate classification.

Literature cited by the submitters: PubMed 37146589 (cited by Clingen Urea Cycle Disorders Variant Curation Expert Panel, ClinGen).